The following is an entry in ClinVar:

NM_021008.4(DEAF1):c.1084T>C (p.Ser362Pro)

Gene: DEAF1 (DEAF1 transcription factor; minus strand). Cytogenetic location: 11p15.5.
Variant type: single nucleotide variant.
Coding change: c.1084T>C on transcript NM_021008.4 (MANE Select); coding-DNA position 1084, T replaced by C.
Protein change: p.Ser362Pro; replaces serine 362 with proline.
Molecular consequence: missense variant.
Genome position (GRCh38, 1-based): chr11:679,730, A>G on the plus strand (T>C on the coding strand, the complement: DEAF1 is on the minus strand). VCF-style: chr11-679730-A-G. GRCh37 (hg19) VCF-style: chr11-679730-A-G.
Other names: c.817T>C, p.Ser273Pro (NM_001293634.2); c.358T>C, p.Ser120Pro (NM_001367390.1); short protein forms S120P, S273P, S362P.
Identifiers: ClinVar variation 3772420 (VCV003772420.13).

ClinVar aggregate classification (germline): Uncertain significance (1 of 4 stars; one submission).

Submission:

CeGaT Center for Human Genetics Tuebingen
Classification: Uncertain significance. Last evaluated: 2025-02-01. Review status: criteria provided, single submitter. Criteria: CeGaT Center For Human Genetics Tuebingen Variant Classification Criteria Version 2. Collection method: clinical testing. Allele origin: germline. Affected: yes. Observed: 1 variant allele.
Comment: DEAF1: PM2